The following is an entry in ClinVar:

ClinVar aggregate classification (germline): Conflicting classifications of pathogenicity. Review status: criteria provided, conflicting classifications (1 of 4 stars). 8 submissions from 8 submitters: Uncertain significance (1); Benign (3); Likely benign (4). Last evaluated 2026-02-04.

Conditions:
Congenital myasthenic syndrome 9. Also called: Myasthenic syndrome, congenital, 9, associated with acetylcholine receptor deficiency. Identifiers: Orphanet 590, MedGen C4225368, MONDO:0014587, OMIM 616325.
Fetal akinesia deformation sequence 1 (FADS1). Also called: Fetal akinesia sequence; Pena-Shokeir syndrome type I. Identifiers: Orphanet 994, MedGen C1276035, MONDO:0100101, OMIM 208150, HP:0001989.

Allele frequency attached by ClinVar (database versions not stated): 1000 Genomes Project 0.00040; gnomAD exomes 0.00299 and 0.00222; 1000 Genomes Project 30x 0.00047; TOPMed 0.00175; gnomAD 0.00199 and 0.00208; ExAC 0.00223; ESP Exome Variant Server 0.00259.
gnomAD v4.1: 4,605 of 1,613,162 alleles (0.29%); highest among the groups gnomAD compares: Non-Finnish European, 0.35%; 5 homozygotes.

Submissions (8):

Labcorp Genetics (formerly Invitae), Labcorp
Classification: Benign for Congenital myasthenic syndrome 9; Fetal akinesia deformation sequence 1. Last evaluated: 2026-02-04. Review status: criteria provided, single submitter. Criteria: Invitae Variant Classification Sherloc (09022015). Collection method: clinical testing. Allele origin: germline.

CeGaT Center for Human Genetics Tuebingen
Classification: Likely benign. Last evaluated: 2025-08-01. Review status: criteria provided, single submitter. Criteria: CeGaT Center For Human Genetics Tuebingen Variant Classification Criteria Version 2. Collection method: clinical testing. Allele origin: germline. Affected: yes. Observed: 6 variant alleles.
Comment: MUSK: BP4

Mayo Clinic Laboratories, Mayo Clinic
Classification: Benign. Last evaluated: 2025-01-27. Review status: criteria provided, single submitter. Criteria: ACMG Guidelines, 2015. Collection method: clinical testing. Allele origin: germline. Observed: 3 variant alleles.
Comment: BS1, BS2, BP4, BP7

Blueprint Genetics
Classification: Likely benign. Last evaluated: 2024-11-27. Review status: criteria provided, single submitter. Criteria: ACMG Guidelines, 2015. Collection method: clinical testing. Allele origin: germline.

GeneDx
Classification: Likely benign. Last evaluated: 2021-06-10. Review status: criteria provided, single submitter. Criteria: GeneDx Variant Classification Process June 2021. Collection method: clinical testing. Allele origin: germline. Affected: yes.

Illumina Laboratory Services, Illumina
Classification: Uncertain significance for Congenital myasthenic syndrome 9. Last evaluated: 2018-01-12. Review status: criteria provided, single submitter. Criteria: ICSL Variant Classification Criteria 13 December 2019. Collection method: clinical testing. Allele origin: germline.

Eurofins Ntd Llc (ga)
Classification: Likely benign. Last evaluated: 2016-01-19. Review status: criteria provided, single submitter. Criteria: EGL Classification Definitions 2015. Collection method: clinical testing. Allele origin: germline. Observed: 1 variant allele, 1 heterozygote.

PreventionGenetics, part of Exact Sciences
Classification: Benign. Review status: criteria provided, single submitter. Criteria: ACMG Guidelines, 2015. Collection method: clinical testing. Allele origin: germline.

NM_005592.4(MUSK):c.666T>C (p.Asn222=)

Gene: MUSK (muscle associated receptor tyrosine kinase; plus strand). Cytogenetic location: 9q31.3.
Variant type: single nucleotide variant.
Coding change: c.666T>C on transcript NM_005592.4 (MANE Select); coding-DNA position 666, T replaced by C.
Protein change: p.Asn222=; no amino-acid change (asparagine 222 retained).
Molecular consequence: synonymous variant. On other transcripts: 5 prime UTR variant (1).
Genome position (GRCh38, 1-based): chr9:110,734,288, T>C. VCF-style: chr9-110734288-T-C. GRCh37 (hg19) VCF-style: chr9-113496568-T-C.
Other names: p.Asn222=; c.696T>C, p.Asn232= (NM_001166280.2); c.666T>C, p.Asn222= (NM_001166281.2); c.-571T>C (NM_001369398.1).
Identifiers: ClinVar variation 259812 (VCV000259812.58), dbSNP rs56044404, ClinGen allele CA5184149.